The following is an entry in ClinVar:

NM_003482.4(KMT2D):c.6483C>T (p.Leu2161=)

Gene: KMT2D (lysine methyltransferase 2D; minus strand). Cytogenetic location: 12q13.12.
Variant type: single nucleotide variant.
Coding change: c.6483C>T on transcript NM_003482.4 (MANE Select); coding-DNA position 6483, C replaced by T.
Protein change: p.Leu2161=; no amino-acid change (leucine 2161 retained).
Molecular consequence: synonymous variant.
Genome position (GRCh38, 1-based): chr12:49,041,287, G>A on the plus strand (C>T on the coding strand, the complement: KMT2D is on the minus strand). VCF-style: chr12-49041287-G-A. GRCh37 (hg19) VCF-style: chr12-49435070-G-A.
Identifiers: ClinVar variation 2195607 (VCV002195607.7), dbSNP rs200964706, ClinGen allele CA6547258.

ClinVar aggregate classification (germline): Benign/Likely benign. Review status: criteria provided, multiple submitters, no conflicts (2 of 4 stars). 3 submissions from 3 submitters: Benign (1); Likely benign (1). 1 of the submissions does not count toward it. Last evaluated 2025-07-10.

Conditions:
KMT2D-related disorder. Also called: KMT2D-Related Disorders.
Kabuki syndrome. Also called: Kabuki make-up syndrome; NIIKAWA-KUROKI SYNDROME. Identifiers: Orphanet 2322, MedGen C0796004, MONDO:0016512.

Allele frequency attached by ClinVar (database versions not stated): ExAC 0.00010; TOPMed 0.00029; gnomAD 0.00030; 1000 Genomes Project 0.00060; 1000 Genomes Project 30x 0.00062.
gnomAD v4.1: 78 of 1,523,512 alleles (0.0051%); highest among the groups gnomAD compares: African/African-American, 0.099%; no homozygotes.

Submissions (3):

Labcorp Genetics (formerly Invitae), Labcorp
Classification: Benign for Kabuki syndrome. Last evaluated: 2025-07-10. Review status: criteria provided, single submitter. Criteria: Invitae Variant Classification Sherloc (09022015). Collection method: clinical testing. Allele origin: germline.

Blueprint Genetics
Classification: Likely benign. Last evaluated: 2022-09-06. Review status: criteria provided, single submitter. Criteria: ACMG Guidelines, 2015. Collection method: clinical testing. Allele origin: germline.

PreventionGenetics, part of Exact Sciences
Classification: Likely benign for KMT2D-related condition. Last evaluated: 2021-05-19. Review status: no assertion criteria provided. Collection method: clinical testing. Allele origin: germline. Not counted in ClinVar's aggregate classification.
Comment: This variant is classified as likely benign based on ACMG/AMP sequence variant interpretation guidelines (Richards et al. 2015 PMID: 25741868, with internal and published modifications).